The following is an entry in ClinVar:

NM_001298.3(CNGA3):c.67C>T (p.Arg23Ter)

Gene: CNGA3 (cyclic nucleotide gated channel subunit alpha 3; plus strand). Cytogenetic location: 2q11.2.
Variant type: single nucleotide variant.
Coding change: c.67C>T on transcript NM_001298.3 (MANE Select); coding-DNA position 67, C replaced by T.
Protein change: p.Arg23Ter; replaces arginine 23 with a stop codon.
Molecular consequence: nonsense.
Genome position (GRCh38, 1-based): chr2:98,370,042, C>T. VCF-style: chr2-98370042-C-T. GRCh37 (hg19) VCF-style: chr2-98986505-C-T.
Other names: c.67C>T, p.Arg23Ter (NM_001079878.2); short protein forms R23*.
Identifiers: ClinVar variation 337652 (VCV000337652.17), dbSNP rs777509481, ClinGen allele CA1793545.

ClinVar aggregate classification (germline): Pathogenic/Likely pathogenic. Review status: criteria provided, multiple submitters, no conflicts (2 of 4 stars). 9 submissions from 9 submitters: Pathogenic (6); Likely pathogenic (1). 2 of the submissions do not count toward it. Last evaluated 2026-08-06.

Conditions:
CNGA3-related disorders.
Achromatopsia. Also called: Rod monochromatism. Identifiers: Orphanet 49382, MedGen C0152200, MONDO:0018852, HP:0011516.
Achromatopsia 2 (ACHM2). Also called: COLORBLINDNESS, TOTAL; ROD MONOCHROMACY 2; ROD MONOCHROMATISM 2. Identifiers: Orphanet 49382, MedGen C1857618, MONDO:0009003, OMIM 216900.

Allele frequency attached by ClinVar (database versions not stated): ExAC 0.00002; gnomAD 0.00003; gnomAD exomes 0.00004; TOPMed 0.00002.
gnomAD v4.1: 33 of 1,613,826 alleles (0.002%); highest among the groups gnomAD compares: East Asian, 0.0067%; no homozygotes.

Submissions (9):

OLLIN Analises Genomicas, OLLIN
Classification: Pathogenic for Achromatopsia 2. Last evaluated: 2026-08-06. Review status: criteria provided, single submitter. Criteria: ACMG Guidelines 2015 PMID 25741868. Collection method: clinical testing. Allele origin: germline. Inheritance: Autosomal recessive inheritance.
Comment: This nonsense variant, located in exon 2 (of 8), has been reported in ClinVar (accession VCV000337652.14) and in gnomAD with an allele frequency of 0.00204%. However, to our knowledge, it has not been reported in the scientific literature. This variant introduces a premature stop codon, which is predicted to result in either a truncated protein or degradation of the mRNA via nonsense-mediated decay (NMD). According to the currently available evidence, this variant has been classified as pathogenic (PVS1, PM2_P, PM3_S).

GeneDx
Classification: Pathogenic. Last evaluated: 2026-03-25. Review status: criteria provided, single submitter. Criteria: GeneDx Variant Classification Process June 2021. Collection method: clinical testing. Allele origin: germline.
Comment: Nonsense variant predicted to result in protein truncation or nonsense mediated decay in a gene for which loss of function is a known mechanism of disease; This variant is associated with the following publications: (PMID: 18445228, 31964843, 26992781, 30682209, 29499183, 30653986, 25168900, 25616768, 24148654, 14757870, 39287548, 31456290, 38219857)

Dasa
Classification: Pathogenic. Last evaluated: 2025-12-02. Review status: criteria provided, single submitter. Criteria: DASA Assertion Criteria. Collection method: clinical testing. Allele origin: germline.
Comment: NM_001298.3(CNGA3):c.67C>T (p.Arg23*) introduces a premature termination codon predicted to result in loss of normal protein function. Loss-of-function is an established mechanism of disease for this gene. This variant has been observed in affected individuals with related phenotype in a genotype context consistent with recessive disease (PMID: 30682209; PMID: 14757870). This variant has been recurrently observed in individuals with related phenotype (PMID: 30682209; PMID: 14757870). The variant is present at low frequency in population datasets. Based on the available data, this variant is classified as pathogenic.

Labcorp Genetics (formerly Invitae), Labcorp
Classification: Pathogenic. Last evaluated: 2025-01-25. Review status: criteria provided, single submitter. Criteria: Invitae Variant Classification Sherloc (09022015). Collection method: clinical testing. Allele origin: germline.
Comment: This sequence change creates a premature translational stop signal (p.Arg23*) in the CNGA3 gene. It is expected to result in an absent or disrupted protein product. Loss-of-function variants in CNGA3 are known to be pathogenic (PMID: 14757870, 24903488, 25637600). This variant is present in population databases (rs777509481, gnomAD 0.01%). This premature translational stop signal has been observed in individual(s) with CNGA3-related conditions (PMID: 14757870, 30682209). ClinVar contains an entry for this variant (Variation ID: 337652). For these reasons, this variant has been classified as Pathogenic.

Blueprint Genetics
Classification: Pathogenic for CNGA3-related disorders. Last evaluated: 2024-06-25. Review status: criteria provided, single submitter. Criteria: ACMG Guidelines, 2015. Collection method: clinical testing. Allele origin: germline. Affected: yes. Observed: 5 variant alleles.

Fulgent Genetics
Classification: Likely pathogenic for Achromatopsia 2. Last evaluated: 2024-05-17. Review status: criteria provided, single submitter. Criteria: ACMG Guidelines, 2015. Collection method: clinical testing. Allele origin: germline.

Illumina Laboratory Services, Illumina
Classification: Pathogenic for Achromatopsia 2. Last evaluated: 2017-04-28. Review status: criteria provided, single submitter. Criteria: ICSL Variant Classification Criteria 09 May 2019. Collection method: clinical testing. Allele origin: germline.
Comment: The CNGA3 c.67C>T (p.Arg23Ter) stop-gained variant was reported in at least five individuals with achromatopsia or another cone dystrophy, including two homozygotes and three compound heterozygotes, and in two unaffected heterozygous parents of individuals (Johnson et al. 2004; Koeppen et al. 2008; Sundaram et al. 2014; Aboshiha et al. 2014; Zelinger et al. 2015; Huang et al. 2016). The variant was absent from six control individuals and from 100 control chromosomes. The variant is reported at a frequency of 0.00012 in the East Asian population of the Exome Aggregation Consortium, but this is based on only one allele in a region of good sequence coverage so it is presumed to be rare. Based on the evidence and due to the potential impact of stop-gained variants, the p.Arg23Ter variant is classified as pathogenic for achromatopsia. This variant was observed by ICSL as part of a predisposition screen in an ostensibly healthy population.

Sharon lab, Hadassah-Hebrew University Medical Center
Classification: Pathogenic for achromatopsia. Last evaluated: 2019-06-23. Review status: no assertion criteria provided. Collection method: research. Allele origin: inherited. Affected: yes. Not counted in ClinVar's aggregate classification.

Laboratory of Genetics in Ophthalmology, Institut Imagine
Classification: Pathogenic for Achromatopsia 2. Review status: no assertion criteria provided. Collection method: research. Allele origin: inherited. Affected: yes. Observed: 1 variant allele. Not counted in ClinVar's aggregate classification.

Literature cited by the submitters: PubMed 30682209 (cited by Dasa and Labcorp Genetics (formerly Invitae), Labcorp); PubMed 14757870 (cited by 4 submitters); PubMed 24903488 (cited by Labcorp Genetics (formerly Invitae), Labcorp); PubMed 25637600 (cited by Labcorp Genetics (formerly Invitae), Labcorp); PubMed 25616768 (cited by Illumina Laboratory Services, Illumina); PubMed 24148654 (cited by Illumina Laboratory Services, Illumina); PubMed 26992781 (cited by Illumina Laboratory Services, Illumina); PubMed 25168900 (cited by Illumina Laboratory Services, Illumina); PubMed 18445228 (cited by Illumina Laboratory Services, Illumina).